The following is an entry in ClinVar:

NM_015602.4(TOR1AIP1):c.983A>G (p.Gln328Arg)

Gene: TOR1AIP1 (torsin 1A interacting protein 1; plus strand). Cytogenetic location: 1q25.2.
Variant type: single nucleotide variant.
Coding change: c.983A>G on transcript NM_015602.4 (MANE Select); coding-DNA position 983, A replaced by G.
Protein change: p.Gln328Arg; replaces glutamine 328 with arginine.
Molecular consequence: missense variant.
Genome position (GRCh38, 1-based): chr1:179,917,470, A>G. VCF-style: chr1-179917470-A-G. GRCh37 (hg19) VCF-style: chr1-179886605-A-G.
Other names: c.986A>G, p.Gln329Arg (NM_001267578.2); short protein forms Q328R, Q329R.
Identifiers: ClinVar variation 1019009 (VCV001019009.9), dbSNP rs748527858, ClinGen allele CA1269074.

ClinVar aggregate classification (germline): Uncertain significance (1 of 4 stars; one submission).

Conditions:
Autosomal recessive limb-girdle muscular dystrophy type 2Y (MRRSDC). Also called: Muscular dystrophy, autosomal recessive, with rigid spine and distal joint contractures; Muscular dystrophy, limb-girdle, type 2y. Identifiers: Orphanet 424261, MedGen C4511482, MONDO:0014900, OMIM 617072.

Allele frequency attached by ClinVar (database versions not stated): TOPMed below 0.00001; ExAC 0.00002; gnomAD exomes 0.00002 and 0.00004.
gnomAD v4.1: 10 of 1,612,504 alleles (0.00062%); highest among the groups gnomAD compares: Admixed American, 0.017%; no homozygotes.

Submission:

Labcorp Genetics (formerly Invitae), Labcorp
Classification: Uncertain significance for Autosomal recessive limb-girdle muscular dystrophy type 2Y. Last evaluated: 2024-10-18. Review status: criteria provided, single submitter. Criteria: Invitae Variant Classification Sherloc (09022015). Collection method: clinical testing. Allele origin: germline.
Comment: This sequence change replaces glutamine, which is neutral and polar, with arginine, which is basic and polar, at codon 329 of the TOR1AIP1 protein (p.Gln329Arg). This variant is present in population databases (rs748527858, gnomAD 0.03%). This variant has not been reported in the literature in individuals affected with TOR1AIP1-related conditions. ClinVar contains an entry for this variant (Variation ID: 1019009). Invitae Evidence Modeling of protein sequence and biophysical properties (such as structural, functional, and spatial information, amino acid conservation, physicochemical variation, residue mobility, and thermodynamic stability) indicates that this missense variant is not expected to disrupt TOR1AIP1 protein function with a negative predictive value of 80%. In summary, the available evidence is currently insufficient to determine the role of this variant in disease. Therefore, it has been classified as a Variant of Uncertain Significance.